The following is an entry in ClinVar:

ClinVar aggregate classification (germline): Uncertain significance. Review status: criteria provided, multiple submitters, no conflicts (2 of 4 stars). 2 submissions from 2 submitters: Uncertain significance (2). Last evaluated 2025-06-19.

Conditions:
Inborn genetic diseases. Identifiers: MedGen C0950123, MeSH D030342.
ALG3-congenital disorder of glycosylation. Also called: CONGENITAL DISORDER OF GLYCOSYLATION, TYPE Id; CDG Id; ALG3-CDG; CARBOHYDRATE-DEFICIENT GLYCOPROTEIN SYNDROME, TYPE IV; CDGS, TYPE IV. Identifiers: Orphanet 79321, MedGen C1832736, MONDO:0010998, OMIM 601110.

Allele frequency attached by ClinVar (database versions not stated): TOPMed 0.00007; gnomAD 0.00008; ESP Exome Variant Server 0.00016.

Submissions (2):

Ambry Genetics
Classification: Uncertain significance for Inborn genetic diseases. Last evaluated: 2025-06-19. Review status: criteria provided, single submitter. Criteria: Ambry Variant Classification Scheme 2023. Collection method: clinical testing. Allele origin: germline.

Labcorp Genetics (formerly Invitae), Labcorp
Classification: Uncertain significance for ALG3-congenital disorder of glycosylation. Last evaluated: 2022-05-24. Review status: criteria provided, single submitter. Criteria: Invitae Variant Classification Sherloc (09022015). Collection method: clinical testing. Allele origin: germline.
Comment: This sequence change replaces arginine, which is basic and polar, with cysteine, which is neutral and slightly polar, at codon 378 of the ALG3 protein (p.Arg378Cys). This variant is present in population databases (rs373887893, gnomAD 0.01%). This variant has not been reported in the literature in individuals affected with ALG3-related conditions. Algorithms developed to predict the effect of missense changes on protein structure and function (SIFT, PolyPhen-2, Align-GVGD) all suggest that this variant is likely to be tolerated. In summary, the available evidence is currently insufficient to determine the role of this variant in disease. Therefore, it has been classified as a Variant of Uncertain Significance.

NM_005787.6(ALG3):c.1132C>T (p.Arg378Cys)

Gene: ALG3 (ALG3 alpha-1,3- mannosyltransferase; minus strand). Cytogenetic location: 3q27.1.
Variant type: single nucleotide variant.
Coding change: c.1132C>T on transcript NM_005787.6 (MANE Select); coding-DNA position 1132, C replaced by T.
Protein change: p.Arg378Cys; replaces arginine 378 with cysteine.
Molecular consequence: missense variant. On other transcripts: non-coding transcript variant (2).
Genome position (GRCh38, 1-based): chr3:184,242,835, G>A on the plus strand (C>T on the coding strand, the complement: ALG3 is on the minus strand). VCF-style: chr3-184242835-G-A. GRCh37 (hg19) VCF-style: chr3-183960623-G-A.
Other names: c.988C>T, p.Arg330Cys (NM_001006941.2); c.1027C>T, p.Arg343Cys (NM_001006942.1); c.1132C>T (NM_005787.5); short protein forms R330C, R343C, R378C.
Identifiers: ClinVar variation 2071696 (VCV002071696.4), dbSNP rs373887893, ClinGen allele CA2729313.